The following is an entry in ClinVar:

ClinVar aggregate classification (germline): Benign (1 of 4 stars; one submission).

Submission:

CeGaT Center for Human Genetics Tuebingen
Classification: Benign. Last evaluated: 2026-09-01. Review status: criteria provided, single submitter. Criteria: CeGaT Center For Human Genetics Tuebingen Variant Classification Criteria Version 2. Collection method: clinical testing. Allele origin: germline. Affected: yes. Observed: 17 variant alleles.
Comment: WDR81: BS1, BS2

NM_152348.4(WDR81):c.-207A>T

Gene: WDR81 (WD repeat domain 81; plus strand). Cytogenetic location: 17p13.3.
Variant type: single nucleotide variant.
Coding change: c.-207A>T on transcript NM_152348.4; 207 bases upstream of the start codon, A replaced by T.
Molecular consequence: 5 prime UTR variant.
Genome position (GRCh38, 1-based): chr17:1,716,550, A>T. VCF-style: chr17-1716550-A-T. GRCh37 (hg19) VCF-style: chr17-1619844-A-T.
Other names: c.-26A>T (NM_001163673.2).
Identifiers: ClinVar variation 4533445 (VCV004533445.6).